The following is an entry in ClinVar:

NM_002234.4(KCNA5):c.44C>T (p.Thr15Ile)

Gene: KCNA5 (potassium voltage-gated channel subfamily A member 5; plus strand). Cytogenetic location: 12p13.32.
Variant type: single nucleotide variant.
Coding change: c.44C>T on transcript NM_002234.4 (MANE Select); coding-DNA position 44, C replaced by T.
Protein change: p.Thr15Ile; replaces threonine 15 with isoleucine.
Molecular consequence: missense variant.
Genome position (GRCh38, 1-based): chr12:5,044,191, C>T. VCF-style: chr12-5044191-C-T. GRCh37 (hg19) VCF-style: chr12-5153357-C-T.
Other names: short protein forms T15I.
Identifiers: ClinVar variation 2880475 (VCV002880475.3), dbSNP rs1862741364, ClinGen allele CA383461784.

ClinVar aggregate classification (germline): Uncertain significance (1 of 4 stars; one submission).

Conditions:
Atrial fibrillation, familial, 7 (ATFB7). Identifiers: MedGen C2677106, MONDO:0012828, OMIM 612240.

Allele frequency attached by ClinVar (database versions not stated): gnomAD exomes below 0.00001; gnomAD 0.00001.
gnomAD v4.1: 5 of 1,537,356 alleles (0.00033%); highest among the groups gnomAD compares: African/African-American, 0.0041%; no homozygotes.

Submission:

Labcorp Genetics (formerly Invitae), Labcorp
Classification: Uncertain significance for Atrial fibrillation, familial, 7. Last evaluated: 2023-09-06. Review status: criteria provided, single submitter. Criteria: Invitae Variant Classification Sherloc (09022015). Collection method: clinical testing. Allele origin: germline.
Comment: In summary, the available evidence is currently insufficient to determine the role of this variant in disease. Therefore, it has been classified as a Variant of Uncertain Significance. An algorithm developed to predict the effect of missense changes on protein structure and function (PolyPhen-2) suggests that this variant is likely to be tolerated. This variant has not been reported in the literature in individuals affected with KCNA5-related conditions. This variant is not present in population databases (gnomAD no frequency). This sequence change replaces threonine, which is neutral and polar, with isoleucine, which is neutral and non-polar, at codon 15 of the KCNA5 protein (p.Thr15Ile).